The following is an entry in ClinVar:

NM_004171.4(SLC1A2):c.67C>T (p.Leu23Phe)

Gene: SLC1A2 (solute carrier family 1 member 2; minus strand). Cytogenetic location: 11p13.
Variant type: single nucleotide variant.
Coding change: c.67C>T on transcript NM_004171.4 (MANE Select); coding-DNA position 67, C replaced by T.
Protein change: p.Leu23Phe; replaces leucine 23 with phenylalanine.
Molecular consequence: missense variant.
Genome position (GRCh38, 1-based): chr11:35,317,467, G>A on the plus strand (C>T on the coding strand, the complement: SLC1A2 is on the minus strand). VCF-style: chr11-35317467-G-A. GRCh37 (hg19) VCF-style: chr11-35339014-G-A.
Other names: c.67C>T (NM_004171.3); c.40C>T, p.Leu14Phe (NM_001195728.3, NM_001252652.2); short protein forms L14F, L23F.
Identifiers: ClinVar variation 3626375 (VCV003626375.3).

ClinVar aggregate classification (germline): Uncertain significance. Review status: criteria provided, multiple submitters, no conflicts (2 of 4 stars). 2 submissions from 2 submitters: Uncertain significance (2). Last evaluated 2025-03-26.

Conditions:
Inborn genetic diseases. Identifiers: MedGen C0950123, MeSH D030342.

Submissions (2):

Ambry Genetics
Classification: Uncertain significance for Inborn genetic diseases. Last evaluated: 2025-03-26. Review status: criteria provided, single submitter. Criteria: Ambry Variant Classification Scheme 2023. Collection method: clinical testing. Allele origin: germline.

Labcorp Genetics (formerly Invitae), Labcorp
Classification: Uncertain significance. Last evaluated: 2024-04-05. Review status: criteria provided, single submitter. Criteria: Invitae Variant Classification Sherloc (09022015). Collection method: clinical testing. Allele origin: germline.
Comment: This sequence change replaces leucine, which is neutral and non-polar, with phenylalanine, which is neutral and non-polar, at codon 23 of the SLC1A2 protein (p.Leu23Phe). This variant is not present in population databases (gnomAD no frequency). This variant has not been reported in the literature in individuals affected with SLC1A2-related conditions. An algorithm developed to predict the effect of missense changes on protein structure and function (PolyPhen-2) suggests that this variant is likely to be tolerated. In summary, the available evidence is currently insufficient to determine the role of this variant in disease. Therefore, it has been classified as a Variant of Uncertain Significance.